The following is an entry in ClinVar:

ClinVar aggregate classification (germline): Likely pathogenic (1 of 4 stars; one submission).

Conditions:
ZTTK syndrome (ZTTKS). Also called: Zhu-Tokita-Takenouchi-Kim Syndrome; ZTTK MULTIPLE CONGENITAL ANOMALIES-MENTAL RETARDATION SYNDROME. Identifiers: Orphanet 500150, MedGen C4310696, MONDO:0014936, OMIM 617140.

Submission:

3billion
Classification: Likely pathogenic for ZTTK syndrome. Last evaluated: 2022-05-22. Review status: criteria provided, single submitter. Criteria: ACMG Guidelines, 2015. Collection method: clinical testing. Allele origin: germline. Affected: yes. Observed: 1 heterozygote.
Comment: The variant is not observed in the gnomAD v2.1.1 dataset. Frameshift: predicted to result in a loss or disruption of normal protein function through nonsense-mediated decay (NMD) or protein truncation. Multiple pathogenic variants are reported downstream of the variant. Therefore, this variant is classified as likely pathogenic according to the recommendation of ACMG/AMP guideline.

NM_138927.4(SON):c.4378_4381del (p.Val1460fs)

Gene: SON (SON DNA and RNA binding protein; plus strand). Cytogenetic location: 21q22.11.
Variant type: Deletion.
Coding change: c.4378_4381del on transcript NM_138927.4 (MANE Select); coding-DNA positions 4378 to 4381, 4 bases deleted (GTAA; older notation c.4378_4381delGTAA).
Protein change: p.Val1460fs; shifts the reading frame from valine 1460.
Molecular consequence: frameshift variant. On other transcripts: non-coding transcript variant (1), intron variant (1).
Genome position (GRCh38, 1-based): chr21:33,553,609-33,553,612, GTAA deleted; deleting any 4 consecutive bases within chr21:33,553,607-33,553,612 gives the same sequence; the c. name uses the placement nearest the transcript's 3' end. VCF-style (leftmost placement, unchanged base first): chr21-33553606-CAAGT-C. GRCh37 (hg19) VCF-style: chr21-34925912-CAAGT-C.
Other names: c.4378_4381del, p.Val1460fs (NM_001291411.2, NM_032195.3); c.245-3547_245-3544del (NM_001291412.3); short protein forms V1460fs.
Identifiers: ClinVar variation 1687159 (VCV001687159.1), dbSNP rs2145833294, ClinGen allele CA2573157401.